The following is an entry in ClinVar:

ClinVar aggregate classification (germline): Uncertain significance (1 of 4 stars; one submission).

Submission:

Ambry Genetics
Classification: Uncertain significance. Last evaluated: 2024-12-10. Review status: criteria provided, single submitter. Criteria: Ambry Variant Classification Scheme 2023. Collection method: clinical testing. Allele origin: germline.
Comment: The p.D390Y variant (also known as c.1168G>T), located in coding exon 1 of the TET2 gene, results from a G to T substitution at nucleotide position 1168. The aspartic acid at codon 390 is replaced by tyrosine, an amino acid with highly dissimilar properties. This amino acid position is conserved. In addition, this alteration is predicted to be tolerated by in silico analysis. Based on the available evidence, the clinical significance of this variant remains unclear.

NM_001127208.3(TET2):c.1168G>T (p.Asp390Tyr)

Genes: TET2 (tet methylcytosine dioxygenase 2; plus strand), TET2-AS1 (TET2 antisense RNA 1; minus strand). Cytogenetic location: 4q24.
Variant type: single nucleotide variant.
Coding change: c.1168G>T on transcript NM_001127208.3 (MANE Select); coding-DNA position 1168, G replaced by T.
Protein change: p.Asp390Tyr; replaces aspartic acid 390 with tyrosine.
Molecular consequence: missense variant.
Genome position (GRCh38, 1-based): chr4:105,235,110, G>T. VCF-style: chr4-105235110-G-T. GRCh37 (hg19) VCF-style: chr4-106156267-G-T.
Other names: c.1168G>T, p.Asp390Tyr (NM_017628.4); short protein forms D390Y.
Identifiers: ClinVar variation 3455401 (VCV003455401.1).